The following is an entry in ClinVar:

ClinVar aggregate classification (germline): Conflicting classifications of pathogenicity. Review status: criteria provided, conflicting classifications (1 of 4 stars). 2 submissions from 2 submitters: Uncertain significance (1); Likely benign (1). Last evaluated 2025-12-31.

Conditions:
Inborn genetic diseases. Identifiers: MedGen C0950123, MeSH D030342.

Submissions (2):

Ambry Genetics
Classification: Likely benign for Inborn genetic diseases. Last evaluated: 2025-12-31. Review status: criteria provided, single submitter. Criteria: Ambry Variant Classification Scheme 2023. Collection method: clinical testing. Allele origin: germline.

GeneDx
Classification: Uncertain significance. Last evaluated: 2023-11-03. Review status: criteria provided, single submitter. Criteria: GeneDx Variant Classification Process June 2021. Collection method: clinical testing. Allele origin: germline. Affected: yes.
Comment: Not observed at significant frequency in large population cohorts (gnomAD); In-silico analysis is inconclusive as to whether the variant impacts protein structure/function. In the absence of functional studies, the actual effect of this sequence change is unknown; Has not been previously published as pathogenic or benign to our knowledge

NM_019066.5(MAGEL2):c.1723T>C (p.Ser575Pro)

Gene: MAGEL2 (MAGE family member L2; minus strand). Cytogenetic location: 15q11.2.
Variant type: single nucleotide variant.
Coding change: c.1723T>C on transcript NM_019066.5 (MANE Select); coding-DNA position 1723, T replaced by C.
Protein change: p.Ser575Pro; replaces serine 575 with proline.
Molecular consequence: missense variant.
Genome position (GRCh38, 1-based): chr15:23,646,020, A>G on the plus strand (T>C on the coding strand, the complement: MAGEL2 is on the minus strand). VCF-style: chr15-23646020-A-G. GRCh37 (hg19) VCF-style: chr15-23891167-A-G.
Other names: short protein forms S575P.
Identifiers: ClinVar variation 3363431 (VCV003363431.2).